The following is an entry in ClinVar:

ClinVar aggregate classification (germline): Conflicting classifications of pathogenicity. Review status: criteria provided, conflicting classifications (1 of 4 stars). 3 submissions from 3 submitters: Uncertain significance (2); Likely benign (1). Last evaluated 2026-06-03.

Conditions:
Inborn genetic diseases. Identifiers: MedGen C0950123, MeSH D030342.

Allele frequency attached by ClinVar (database versions not stated): gnomAD exomes 0.00001 and 0.00002; gnomAD 0.00002; TOPMed 0.00011.
gnomAD v4.1: 15 of 1,590,890 alleles (0.00094%); highest among the groups gnomAD compares: Admixed American, 0.019%; no homozygotes.

Submissions (3):

GeneDx
Classification: Uncertain significance. Last evaluated: 2026-06-03. Review status: criteria provided, single submitter. Criteria: GeneDx Variant Classification Process June 2021. Collection method: clinical testing. Allele origin: germline.
Comment: In silico analysis suggests that this missense variant does not alter protein structure/function; Has not been previously published as pathogenic or benign to our knowledge

Ambry Genetics
Classification: Likely benign for Inborn genetic diseases. Last evaluated: 2023-04-27. Review status: criteria provided, single submitter. Criteria: Ambry Variant Classification Scheme 2023. Collection method: clinical testing. Allele origin: germline.

Labcorp Genetics (formerly Invitae), Labcorp
Classification: Uncertain significance. Last evaluated: 2021-11-16. Review status: criteria provided, single submitter. Criteria: Invitae Variant Classification Sherloc (09022015). Collection method: clinical testing. Allele origin: germline.
Comment: This sequence change replaces leucine, which is neutral and non-polar, with proline, which is neutral and non-polar, at codon 177 of the BSND protein (p.Leu177Pro). This variant is present in population databases (no rsID available, gnomAD 0.02%). This variant has not been reported in the literature in individuals affected with BSND-related conditions. Algorithms developed to predict the effect of missense changes on protein structure and function output the following: SIFT: "Tolerated"; PolyPhen-2: "Benign"; Align-GVGD: "Class C0". The proline amino acid residue is found in multiple mammalian species, which suggests that this missense change does not adversely affect protein function. In summary, the available evidence is currently insufficient to determine the role of this variant in disease. Therefore, it has been classified as a Variant of Uncertain Significance.

NM_057176.3(BSND):c.530T>C (p.Leu177Pro)

Gene: BSND (barttin CLCNK type accessory subunit beta; plus strand). Cytogenetic location: 1p32.3.
Variant type: single nucleotide variant.
Coding change: c.530T>C on transcript NM_057176.3 (MANE Select); coding-DNA position 530, T replaced by C.
Protein change: p.Leu177Pro; replaces leucine 177 with proline.
Molecular consequence: missense variant.
Genome position (GRCh38, 1-based): chr1:55,007,254, T>C. VCF-style: chr1-55007254-T-C. GRCh37 (hg19) VCF-style: chr1-55472927-T-C.
Other names: c.530T>C (NM_057176.2); short protein forms L177P.
Identifiers: ClinVar variation 1500696 (VCV001500696.6), dbSNP rs1301227852, ClinGen allele CA340477375.